The following is an entry in ClinVar:

NM_032383.5(HPS3):c.721A>G (p.Asn241Asp)

Gene: HPS3 (HPS3 biogenesis of lysosomal organelles complex 2 subunit 1; plus strand). Cytogenetic location: 3q24.
Variant type: single nucleotide variant.
Coding change: c.721A>G on transcript NM_032383.5 (MANE Select); coding-DNA position 721, A replaced by G.
Protein change: p.Asn241Asp; replaces asparagine 241 with aspartic acid.
Molecular consequence: missense variant.
Genome position (GRCh38, 1-based): chr3:149,141,025, A>G. VCF-style: chr3-149141025-A-G. GRCh37 (hg19) VCF-style: chr3-148858812-A-G.
Other names: c.226A>G, p.Asn76Asp (NM_001308258.2); short protein forms N76D, N241D.
Identifiers: ClinVar variation 1409949 (VCV001409949.3), dbSNP rs1722408188, ClinGen allele CA354912957.
Genomic context (GRCh38, chr3:149,141,025, plus strand): 5'-TGTAAAATCTAATTTTCATTCAAGCAGGACTGTTACATTTTATTTTTTTAAGGCATCAGT[A>G]ATGAAATTTCACAGCTTGAGTCAGATGATTTTGTCATCTGCCAGAAGCCCCTGGAACTTC-3'
Protein context (NP_115759.2, residues 231-251): RIRRTEEGIS[Asn241Asp]EISQLESDDF

ClinVar aggregate classification (germline): Uncertain significance (1 of 4 stars; one submission).

gnomAD v4.1: 1 of 1,613,872 alleles (0.000062%); highest among the groups gnomAD compares: Non-Finnish European, 0.000085%; no homozygotes.

Submission:

Labcorp Genetics (formerly Invitae), Labcorp
Classification: Uncertain significance. Last evaluated: 2022-10-05. Review status: criteria provided, single submitter. Criteria: Invitae Variant Classification Sherloc (09022015). Collection method: clinical testing. Allele origin: germline.
Comment: This sequence change replaces asparagine, which is neutral and polar, with aspartic acid, which is acidic and polar, at codon 241 of the HPS3 protein (p.Asn241Asp). This variant is not present in population databases (gnomAD no frequency). This variant has not been reported in the literature in individuals affected with HPS3-related conditions. ClinVar contains an entry for this variant (Variation ID: 1409949). Algorithms developed to predict the effect of missense changes on protein structure and function output the following: SIFT: "Tolerated"; PolyPhen-2: "Benign"; Align-GVGD: "Class C0". The aspartic acid amino acid residue is found in multiple mammalian species, which suggests that this missense change does not adversely affect protein function. In summary, the available evidence is currently insufficient to determine the role of this variant in disease. Therefore, it has been classified as a Variant of Uncertain Significance.